The following is an entry in ClinVar:

NM_014014.5(SNRNP200):c.3690C>T (p.Ser1230=)

Gene: SNRNP200 (small nuclear ribonucleoprotein U5 subunit 200; minus strand). Cytogenetic location: 2q11.2.
Variant type: single nucleotide variant.
Coding change: c.3690C>T on transcript NM_014014.5 (MANE Select); coding-DNA position 3690, C replaced by T.
Protein change: p.Ser1230=; no amino-acid change (serine 1230 retained).
Molecular consequence: synonymous variant.
Genome position (GRCh38, 1-based): chr2:96,286,827, G>A on the plus strand (C>T on the coding strand, the complement: SNRNP200 is on the minus strand). VCF-style: chr2-96286827-G-A. GRCh37 (hg19) VCF-style: chr2-96952565-G-A.
Identifiers: ClinVar variation 798664 (VCV000798664.12), dbSNP rs200634658, ClinGen allele CA1778398.

ClinVar aggregate classification (germline): Benign/Likely benign. Review status: criteria provided, multiple submitters, no conflicts (2 of 4 stars). 4 submissions from 4 submitters: Benign (1); Likely benign (3). Last evaluated 2024-11-09.

Conditions:
SNRNP200-related disorder. Also called: SNRNP200-related condition.
Retinal dystrophy. Also called: Inherited retinal dystrophy. Identifiers: Orphanet 71862, MedGen C0854723, MeSH D058499, MONDO:0019118, HP:0000556.

Allele frequency attached by ClinVar (database versions not stated): gnomAD exomes 0.00004 and 0.00006; gnomAD 0.00006; TOPMed 0.00006; ExAC 0.00007; ESP Exome Variant Server 0.00008.
gnomAD v4.1: 67 of 1,614,014 alleles (0.0042%); highest among the groups gnomAD compares: East Asian, 0.04%; no homozygotes.

Submissions (5):

PreventionGenetics, part of Exact Sciences
Classification: Likely benign for SNRNP200-related condition. Last evaluated: 2024-11-09. Review status: criteria provided, single submitter. Criteria: ACMG Guidelines, 2015. Collection method: clinical testing. Allele origin: germline.
Comment: This variant is classified as likely benign based on ACMG/AMP sequence variant interpretation guidelines (Richards et al. 2015 PMID: 25741868, with internal and published modifications).

Labcorp Genetics (formerly Invitae), Labcorp
Classification: Likely benign. Last evaluated: 2024-08-12. Review status: criteria provided, single submitter. Criteria: Invitae Variant Classification Sherloc (09022015). Collection method: clinical testing. Allele origin: germline.

Blueprint Genetics
Classification: Likely benign. Last evaluated: 2024-05-28. Review status: criteria provided, single submitter. Criteria: ACMG Guidelines, 2015. Collection method: clinical testing. Allele origin: germline.

Dept Of Ophthalmology, Nagoya University
Classification: Benign for Retinal dystrophy. Last evaluated: 2023-10-01. Review status: criteria provided, single submitter. Criteria: Submitter's publication. Collection method: research. Allele origin: germline. Affected: yes.

Dr. Peter K. Rogan Lab, Western University
No classification provided (evidence only). Condition: Nonpapillary renal cell carcinoma. Review status: no classification provided. Collection method: in vitro. Allele origin: not applicable. Functional consequence: retained intron. Not counted in ClinVar's aggregate classification.